The following is an entry in ClinVar:

ClinVar aggregate classification (germline): Likely benign (1 of 4 stars; one submission).

Allele frequency attached by ClinVar (database versions not stated): gnomAD exomes below 0.00001.
gnomAD v4.1: 1 of 1,567,900 alleles (0.000064%); highest among the groups gnomAD compares: Middle Eastern, 0.023%; no homozygotes.

Submission:

CeGaT Center for Human Genetics Tuebingen
Classification: Likely benign. Last evaluated: 2023-12-01. Review status: criteria provided, single submitter. Criteria: CeGaT Center For Human Genetics Tuebingen Variant Classification Criteria Version 2. Collection method: clinical testing. Allele origin: germline. Affected: yes. Observed: 1 variant allele.
Comment: HERC2: PM2:Supporting, BP4, BP7

NM_004667.6(HERC2):c.4794A>G (p.Ala1598=)

Gene: HERC2 (HECT and RLD domain containing E3 ubiquitin protein ligase 2; minus strand). Cytogenetic location: 15q13.1.
Variant type: single nucleotide variant.
Coding change: c.4794A>G on transcript NM_004667.6 (MANE Select); coding-DNA position 4794, A replaced by G.
Protein change: p.Ala1598=; no amino-acid change (alanine 1598 retained).
Molecular consequence: synonymous variant.
Genome position (GRCh38, 1-based): chr15:28,230,382, T>C on the plus strand (A>G on the coding strand, the complement: HERC2 is on the minus strand). VCF-style: chr15-28230382-T-C. GRCh37 (hg19) VCF-style: chr15-28475528-T-C.
Identifiers: ClinVar variation 3026571 (VCV003026571.22), dbSNP rs2549198083, ClinGen allele CA488961707.
Genomic context (GRCh38, chr15:28,230,382, plus strand): 5'-TATGATTCTATTCAGCCAACCTCAGAATCACAGAAAATACTGCACCTTGGGTGATTTAAT[T>C]GCAATGGGTCTCTTGTCCACATTTATTGGACTATGAGGCAAAATGCAAGCTTCTTCTAAA-3'
Protein context (NP_004658.3, residues 1588-1608): SPINVDKRPI[Ala1598=]IKSPKDKWQP